The following is an entry in ClinVar:

NM_001360.3(DHCR7):c.1364A>T (p.Tyr455Phe)

Gene: DHCR7 (7-dehydrocholesterol reductase; minus strand). Cytogenetic location: 11q13.4.
Variant type: single nucleotide variant.
Coding change: c.1364A>T on transcript NM_001360.3 (MANE Select); coding-DNA position 1364, A replaced by T.
Protein change: p.Tyr455Phe; replaces tyrosine 455 with phenylalanine.
Molecular consequence: missense variant.
Genome position (GRCh38, 1-based): chr11:71,435,439, T>A on the plus strand (A>T on the coding strand, the complement: DHCR7 is on the minus strand). VCF-style: chr11-71435439-T-A. GRCh37 (hg19) VCF-style: chr11-71146485-T-A.
Other names: c.1364A>T, p.Tyr455Phe (NM_001163817.2); short protein forms Y455F.
Identifiers: ClinVar variation 845964 (VCV000845964.9), dbSNP rs1949264089, ClinGen allele CA381700623.

ClinVar aggregate classification (germline): Uncertain significance (1 of 4 stars; one submission).

Conditions:
Smith-Lemli-Opitz syndrome (SLOS). Also called: POLYDACTYLY, SEX REVERSAL, RENAL HYPOPLASIA, AND UNILOBAR LUNG; RSH SYNDROME; RUTLEDGE LETHAL MULTIPLE CONGENITAL ANOMALY SYNDROME; LETHAL ACRODYSGENITAL SYNDROME; 7-Dehydrocholesterol reductase deficiency. Identifiers: Orphanet 818, MedGen C0175694, MONDO:0010035, OMIM 270400.

Submission:

Labcorp Genetics (formerly Invitae), Labcorp
Classification: Uncertain significance for Smith-Lemli-Opitz syndrome. Last evaluated: 2022-05-25. Review status: criteria provided, single submitter. Criteria: Invitae Variant Classification Sherloc (09022015). Collection method: clinical testing. Allele origin: germline.
Comment: In summary, the available evidence is currently insufficient to determine the role of this variant in disease. Therefore, it has been classified as a Variant of Uncertain Significance. Advanced modeling of protein sequence and biophysical properties (such as structural, functional, and spatial information, amino acid conservation, physicochemical variation, residue mobility, and thermodynamic stability) performed at Invitae indicates that this missense variant is expected to disrupt DHCR7 protein function. ClinVar contains an entry for this variant (Variation ID: 845964). This variant has not been reported in the literature in individuals affected with DHCR7-related conditions. This variant is not present in population databases (gnomAD no frequency). This sequence change replaces tyrosine, which is neutral and polar, with phenylalanine, which is neutral and non-polar, at codon 455 of the DHCR7 protein (p.Tyr455Phe).